The following is an entry in ClinVar:

ClinVar aggregate classification (germline): Uncertain significance. Review status: criteria provided, multiple submitters, no conflicts (2 of 4 stars). 8 submissions from 8 submitters: Uncertain significance (7). 1 of the submissions does not count toward it. Last evaluated 2026-09-01.

Conditions:
Cohen syndrome (COH1). Also called: PEPPER SYNDROME; Cutis verticis gyrata, retinitis pigmentosa, and sensorineural deafness. Identifiers: Orphanet 193, MedGen C0265223, MONDO:0008999, OMIM 216550.
VPS13B-related disorder. Also called: VPS13B-related condition.
Inborn genetic diseases. Identifiers: MedGen C0950123, MeSH D030342.

Allele frequency attached by ClinVar (database versions not stated): TOPMed 0.00002; gnomAD exomes 0.00004 and 0.00005; ExAC 0.00006; ESP Exome Variant Server 0.00008; gnomAD 0.00001.

Submissions (8):

PreventionGenetics, part of Exact Sciences
Classification: Uncertain significance for VPS13B-related condition. Last evaluated: 2026-09-01. Review status: criteria provided, single submitter. Criteria: ACMG Guidelines, 2015. Collection method: clinical testing. Allele origin: germline.
Comment: The VPS13B c.328C>T variant is predicted to result in the amino acid substitution p.Arg110Cys. To our knowledge, this variant has not been reported in the literature. This variant is reported in 0.012% of alleles in individuals of Latino descent in gnomAD. At this time, the clinical significance of this variant is uncertain due to the absence of conclusive functional and genetic evidence.

GeneDx
Classification: Uncertain significance. Last evaluated: 2026-05-09. Review status: criteria provided, single submitter. Criteria: GeneDx Variant Classification Process June 2021. Collection method: clinical testing. Allele origin: germline.
Comment: Has not been previously published as pathogenic or benign to our knowledge; Not observed at significant frequency in large population cohorts (gnomAD); In silico analysis supports that this missense variant has a deleterious effect on protein structure/function

Women's Health and Genetics/Laboratory Corporation of America, LabCorp
Classification: Uncertain significance. Last evaluated: 2026-01-23. Review status: criteria provided, single submitter. Criteria: LabCorp Variant Classification Summary - May 2015. Collection method: clinical testing. Allele origin: germline.

Ambry Genetics
Classification: Uncertain significance for Inborn genetic diseases. Last evaluated: 2025-02-25. Review status: criteria provided, single submitter. Criteria: Ambry Variant Classification Scheme 2023. Collection method: clinical testing. Allele origin: germline.

St. Jude Molecular Pathology, St. Jude Children's Research Hospital
Classification: Uncertain significance for Cohen syndrome. Last evaluated: 2024-05-07. Review status: criteria provided, single submitter. Criteria: St. Jude Assertion Criteria 2020. Collection method: clinical testing. Allele origin: germline.
Comment: The VPS13B c.328C>T (p.Arg110Cys) missense change has a maximum subpopulation frequency of 0.012% in gnomAD v2.1.1. The in silico tool REVEL is inconclusive about a pathogenic or benign effect of this variant on protein function, and to our knowledge functional studies have not been performed. To our knowledge, this variant has not been reported in individuals with Cohen syndrome. In summary, the evidence currently available is insufficient to determine the clinical significance of this variant. It has therefore been classified as of uncertain significance.

Labcorp Genetics (formerly Invitae), Labcorp
Classification: Uncertain significance for Cohen syndrome. Last evaluated: 2022-08-20. Review status: criteria provided, single submitter. Criteria: Invitae Variant Classification Sherloc (09022015). Collection method: clinical testing. Allele origin: germline.
Comment: This sequence change replaces arginine, which is basic and polar, with cysteine, which is neutral and slightly polar, at codon 110 of the VPS13B protein (p.Arg110Cys). This variant is present in population databases (rs368290618, gnomAD 0.01%). This variant has not been reported in the literature in individuals affected with VPS13B-related conditions. ClinVar contains an entry for this variant (Variation ID: 972443). Algorithms developed to predict the effect of missense changes on protein structure and function are either unavailable or do not agree on the potential impact of this missense change (SIFT: "Not Available"; PolyPhen-2: "Probably Damaging"; Align-GVGD: "Not Available"). In summary, the available evidence is currently insufficient to determine the role of this variant in disease. Therefore, it has been classified as a Variant of Uncertain Significance.

Breakthrough Genomics
Classification: Uncertain significance. Review status: criteria provided, single submitter. Criteria: ACMG Guidelines, 2015. Collection method: not provided. Allele origin: germline. Inheritance: Autosomal recessive inheritance. Affected: yes.

Natera, Inc.
Classification: Uncertain significance for Cohen syndrome. Last evaluated: 2020-05-27. Review status: no assertion criteria provided. Collection method: clinical testing. Allele origin: germline. Not counted in ClinVar's aggregate classification.

NM_152564.5(VPS13B):c.328C>T (p.Arg110Cys)

Gene: VPS13B (vacuolar protein sorting 13 homolog B; plus strand). Cytogenetic location: 8q22.2.
Variant type: single nucleotide variant.
Coding change: c.328C>T on transcript NM_152564.5 (MANE Select); coding-DNA position 328, C replaced by T.
Protein change: p.Arg110Cys; replaces arginine 110 with cysteine.
Molecular consequence: missense variant. On other transcripts: non-coding transcript variant (1).
Genome position (GRCh38, 1-based): chr8:99,096,348, C>T. VCF-style: chr8-99096348-C-T. GRCh37 (hg19) VCF-style: chr8-100108576-C-T.
Other names: c.328C>T (NM_017890.3, NM_152564.4); c.328C>T, p.Arg110Cys (NM_015243.3, NM_017890.5, NM_181661.3); short protein forms R110C.
Identifiers: ClinVar variation 972443 (VCV000972443.15), dbSNP rs368290618, ClinGen allele CA4822345.